The following is an entry in ClinVar:

NM_013435.3(RAX):c.289+8C>G

Gene: RAX (retina and anterior neural fold homeobox; minus strand). Cytogenetic location: 18q21.32.
Variant type: single nucleotide variant.
Coding change: c.289+8C>G on transcript NM_013435.3 (MANE Select); 8 bases into the intron after coding-DNA position 289, C replaced by G.
Molecular consequence: intron variant.
Genome position (GRCh38, 1-based): chr18:59,272,910, G>C on the plus strand (C>G on the coding strand, the complement: RAX is on the minus strand). VCF-style: chr18-59272910-G-C. GRCh37 (hg19) VCF-style: chr18-56940142-G-C.
Identifiers: ClinVar variation 707259 (VCV000707259.11), dbSNP rs192960377, ClinGen allele CA8979401.

ClinVar aggregate classification (germline): Benign/Likely benign. Review status: criteria provided, multiple submitters, no conflicts (2 of 4 stars). 3 submissions from 3 submitters: Benign (2); Likely benign (1). Last evaluated 2026-01-24.

Conditions:
Isolated microphthalmia 3 (MCOPS16). Also called: MICROPHTHALMIA, SYNDROMIC 16. Identifiers: Orphanet 2542, MedGen C5774181, MONDO:0012604, OMIM 611038.

Allele frequency attached by ClinVar (database versions not stated): ESP Exome Variant Server 0.00257; 1000 Genomes Project 30x 0.00547; 1000 Genomes Project 0.00579; gnomAD 0.00584 and 0.00630; TOPMed 0.00680.
gnomAD v4.1: 1,975 of 1,488,390 alleles (0.13%); highest among the groups gnomAD compares: African/African-American, 2.2%; 21 homozygotes.

Submissions (3):

Labcorp Genetics (formerly Invitae), Labcorp
Classification: Benign for Isolated microphthalmia 3. Last evaluated: 2026-01-24. Review status: criteria provided, single submitter. Criteria: Invitae Variant Classification Sherloc (09022015). Collection method: clinical testing. Allele origin: germline.

GeneDx
Classification: Likely benign. Last evaluated: 2018-12-09. Review status: criteria provided, single submitter. Criteria: GeneDx Variant Classification Process June 2021. Collection method: clinical testing. Allele origin: germline. Affected: yes.
Comment: See Variant Classification Assertion Criteria.

Breakthrough Genomics
Classification: Benign. Review status: criteria provided, single submitter. Criteria: ACMG Guidelines, 2015. Collection method: not provided. Allele origin: germline. Inheritance: Autosomal recessive inheritance. Affected: yes.